The following is an entry in ClinVar:

NM_000059.4(BRCA2):c.9750A>C (p.Ser3250=)

Gene: BRCA2 (BRCA2 DNA repair associated; plus strand). Cytogenetic location: 13q13.1.
Variant type: single nucleotide variant.
Coding change: c.9750A>C on transcript NM_000059.4 (MANE Select); coding-DNA position 9750, A replaced by C.
Protein change: p.Ser3250=; no amino-acid change (serine 3250 retained).
Molecular consequence: synonymous variant.
Genome position (GRCh38, 1-based): chr13:32,398,263, A>C. VCF-style: chr13-32398263-A-C. GRCh37 (hg19) VCF-style: chr13-32972400-A-C.
Identifiers: ClinVar variation 427545 (VCV000427545.16), dbSNP rs377730276, ClinGen allele CA6941445.

ClinVar aggregate classification (germline): Likely benign. Review status: reviewed by expert panel (3 of 4 stars). 5 submissions from 5 submitters: Likely benign (1). 4 of the submissions do not count toward it. Last evaluated 2017-06-29.

Conditions:
Breast-ovarian cancer, familial, susceptibility to, 2 (BROVCA2). Also called: BRCA2 Hereditary Breast and Ovarian Cancer. Identifiers: Orphanet 145, MedGen C2675520, MONDO:0012933, OMIM 612555. Disease mechanism: loss of function.
Hereditary breast ovarian cancer syndrome. Also called: BRCA1- and BRCA2-Associated Hereditary Breast and Ovarian Cancer; Hereditary breast and/or ovarian cancer syndrome; Hereditary breast and ovarian cancer; Hereditary breast and ovarian cancer syndrome; Hereditary breast and ovarian cancer syndrome (HBOC); Breast and ovarian cancer. Identifiers: Orphanet 145, MedGen C0677776, MeSH D061325, MONDO:0003582. Disease mechanism: loss of function.
Hereditary cancer-predisposing syndrome. Also called: Hereditary neoplastic syndrome; Tumor predisposition; Neoplastic Syndromes, Hereditary; Hereditary Cancer Syndrome. Identifiers: Orphanet 140162, MedGen C0027672, MeSH D009386, MONDO:0015356.

Allele frequency attached by ClinVar (database versions not stated): gnomAD exomes below 0.00001; ExAC 0.00001; ESP Exome Variant Server 0.00008.

Submissions (5):

Evidence-based Network for the Interpretation of Germline Mutant Alleles (ENIGMA)
Classification: Likely benign for Breast-ovarian cancer, familial, susceptibility to, 2. Last evaluated: 2017-06-29. Review status: reviewed by expert panel. Criteria: ENIGMA BRCA1/2 Classification Criteria (2017-06-29). Collection method: curation. Allele origin: germline.
Comment: Synonymous substitution variant, with low bioinformatic likelihood to result in a splicing aberration (Splicing prior probability 0.02).

Labcorp Genetics (formerly Invitae), Labcorp
Classification: Likely benign for Hereditary breast ovarian cancer syndrome. Last evaluated: 2024-12-19. Review status: criteria provided, single submitter. Criteria: Invitae Variant Classification Sherloc (09022015). Collection method: clinical testing. Allele origin: germline. Not counted in ClinVar's aggregate classification.

Color Diagnostics, LLC DBA Color Health
Classification: Likely benign for Hereditary cancer-predisposing syndrome. Last evaluated: 2022-12-21. Review status: criteria provided, single submitter. Criteria: ACMG Guidelines, 2015. Collection method: clinical testing. Allele origin: germline. Not counted in ClinVar's aggregate classification.

Women's Health and Genetics/Laboratory Corporation of America, LabCorp
Classification: Likely benign. Last evaluated: 2022-06-11. Review status: criteria provided, single submitter. Criteria: LabCorp Variant Classification Summary - May 2015. Collection method: clinical testing. Allele origin: germline. Not counted in ClinVar's aggregate classification.

Ambry Genetics
Classification: Likely benign for Hereditary cancer-predisposing syndrome. Last evaluated: 2021-12-18. Review status: criteria provided, single submitter. Criteria: Ambry Variant Classification Scheme 2023. Collection method: clinical testing. Allele origin: germline. Not counted in ClinVar's aggregate classification.